The following is an entry in ClinVar:

NM_053025.4(MYLK):c.1357C>T (p.Pro453Ser)

Gene: MYLK (myosin light chain kinase; minus strand). Cytogenetic location: 3q21.1.
Variant type: single nucleotide variant.
Coding change: c.1357C>T on transcript NM_053025.4 (MANE Select); coding-DNA position 1357, C replaced by T.
Protein change: p.Pro453Ser; replaces proline 453 with serine.
Molecular consequence: missense variant. On other transcripts: intron variant (2).
Genome position (GRCh38, 1-based): chr3:123,733,055, G>A on the plus strand (C>T on the coding strand, the complement: MYLK is on the minus strand). VCF-style: chr3-123733055-G-A. GRCh37 (hg19) VCF-style: chr3-123451902-G-A.
Other names: c.829C>T, p.Pro277Ser (NM_001321309.2); c.1357C>T, p.Pro453Ser (NM_053027.4); c.1309+632C>T (NM_053028.4, NM_053026.4); short protein forms P453S, P277S.
Identifiers: ClinVar variation 2745252 (VCV002745252.3), dbSNP rs2062542418, ClinGen allele CA354238313.

ClinVar aggregate classification (germline): Uncertain significance (1 of 4 stars; one submission).

Conditions:
Aortic aneurysm, familial thoracic 7 (AAT7). Also called: AORTIC DISSECTION, FAMILIAL, WITH OR WITHOUT AORTIC ANEURYSM. Identifiers: MedGen C3151077, MONDO:0013418, OMIM 613780.

Submission:

Labcorp Genetics (formerly Invitae), Labcorp
Classification: Uncertain significance for Aortic aneurysm, familial thoracic 7. Last evaluated: 2023-07-19. Review status: criteria provided, single submitter. Criteria: Invitae Variant Classification Sherloc (09022015). Collection method: clinical testing. Allele origin: germline.
Comment: In summary, the available evidence is currently insufficient to determine the role of this variant in disease. Therefore, it has been classified as a Variant of Uncertain Significance. Advanced modeling of protein sequence and biophysical properties (such as structural, functional, and spatial information, amino acid conservation, physicochemical variation, residue mobility, and thermodynamic stability) performed at Invitae indicates that this missense variant is not expected to disrupt MYLK protein function. This variant has not been reported in the literature in individuals affected with MYLK-related conditions. This variant is not present in population databases (gnomAD no frequency). This sequence change replaces proline, which is neutral and non-polar, with serine, which is neutral and polar, at codon 453 of the MYLK protein (p.Pro453Ser).